The following is an entry in ClinVar:

NM_005591.4(MRE11):c.1342C>G (p.Leu448Val)

Gene: MRE11 (MRE11 double strand break repair nuclease; minus strand). Cytogenetic location: 11q21.
Variant type: single nucleotide variant.
Coding change: c.1342C>G on transcript NM_005591.4 (MANE Select); coding-DNA position 1342, C replaced by G.
Protein change: p.Leu448Val; replaces leucine 448 with valine.
Molecular consequence: missense variant.
Genome position (GRCh38, 1-based): chr11:94,459,566, G>C on the plus strand (C>G on the coding strand, the complement: MRE11 is on the minus strand). VCF-style: chr11-94459566-G-C. GRCh37 (hg19) VCF-style: chr11-94192732-G-C.
Other names: c.1342C>G, p.Leu448Val (NM_001330347.2, NM_001440460.1, NM_001440461.1 and 15 more transcripts); c.1267C>G, p.Leu423Val (NM_001440471.1, NM_001440472.1, NM_001440479.1); c.997C>G, p.Leu333Val (NM_001440482.1, NM_001440483.1, NM_001440484.1); c.874C>G, p.Leu292Val (NM_001440485.1, NM_001440486.1, NM_001440487.1); c.1261C>G, p.Leu421Val (NM_001440473.1, NM_001440477.1, NM_001440478.1); short protein forms L292V, L333V, L421V, L423V, L448V.
Identifiers: ClinVar variation 4826829 (VCV004826829.1).

ClinVar aggregate classification (germline): Uncertain significance (1 of 4 stars; one submission).

Conditions:
Hereditary cancer-predisposing syndrome. Also called: Neoplastic Syndromes, Hereditary; Tumor predisposition; Hereditary Cancer Syndrome; Hereditary neoplastic syndrome. Identifiers: Orphanet 140162, MedGen C0027672, MeSH D009386, MONDO:0015356.

Submission:

Ambry Genetics
Classification: Uncertain significance for Hereditary cancer-predisposing syndrome. Last evaluated: 2026-02-28. Review status: criteria provided, single submitter. Criteria: Ambry Variant Classification Scheme 2023. Collection method: clinical testing. Allele origin: germline.
Comment: The p.L448V variant (also known as c.1342C>G), located in coding exon 12 of the MRE11A gene, results from a C to G substitution at nucleotide position 1342. The leucine at codon 448 is replaced by valine, an amino acid with highly similar properties. This amino acid position is conserved. In addition, the in silico prediction for this alteration is inconclusive. Based on the available evidence, the clinical significance of this variant remains unclear.